The following is an entry in ClinVar:

ClinVar aggregate classification (germline): Uncertain significance (1 of 4 stars; one submission).

Allele frequency attached by ClinVar (database versions not stated): gnomAD exomes below 0.00001; gnomAD 0.00001; TOPMed 0.00002.
gnomAD v4.1: 3 of 1,611,790 alleles (0.00019%); highest among the groups gnomAD compares: African/African-American, 0.0027%; no homozygotes.

Submission:

Labcorp Genetics (formerly Invitae), Labcorp
Classification: Uncertain significance. Last evaluated: 2021-12-18. Review status: criteria provided, single submitter. Criteria: Invitae Variant Classification Sherloc (09022015). Collection method: clinical testing. Allele origin: germline.
Comment: This sequence change replaces valine, which is neutral and non-polar, with alanine, which is neutral and non-polar, at codon 1458 of the SBF1 protein (p.Val1458Ala). This variant is present in population databases (no rsID available, gnomAD 0.007%). This variant has not been reported in the literature in individuals affected with SBF1-related conditions. Algorithms developed to predict the effect of missense changes on protein structure and function are either unavailable or do not agree on the potential impact of this missense change (SIFT: "Tolerated"; PolyPhen-2: "Possibly Damaging"; Align-GVGD: "Class C0"). In summary, the available evidence is currently insufficient to determine the role of this variant in disease. Therefore, it has been classified as a Variant of Uncertain Significance.

NM_002972.4(SBF1):c.4373T>C (p.Val1458Ala)

Gene: SBF1 (SET binding factor 1; minus strand). Cytogenetic location: 22q13.33.
Variant type: single nucleotide variant.
Coding change: c.4373T>C on transcript NM_002972.4 (MANE Select); coding-DNA position 4373, T replaced by C.
Protein change: p.Val1458Ala; replaces valine 1458 with alanine.
Molecular consequence: missense variant.
Genome position (GRCh38, 1-based): chr22:50,455,405, A>G on the plus strand (T>C on the coding strand, the complement: SBF1 is on the minus strand). VCF-style: chr22-50455405-A-G. GRCh37 (hg19) VCF-style: chr22-50893834-A-G.
Other names: c.4298T>C, p.Val1433Ala (NM_001365819.1); c.4376T>C, p.Val1459Ala (NM_001410794.1); c.4295T>C, p.Val1432Ala (NM_001410795.1); c.4373T>C, p.Val1458Ala (NM_197971.1); short protein forms V1433A, V1459A, V1432A, V1458A.
Identifiers: ClinVar variation 2190983 (VCV002190983.1), dbSNP rs745426021, ClinGen allele CA412195954.